The following is an entry in ClinVar:

ClinVar aggregate classification (germline): Uncertain significance (1 of 4 stars; one submission).

gnomAD v4.1: 10 of 1,605,754 alleles (0.00062%); highest among the groups gnomAD compares: Non-Finnish European, 0.00077%; no homozygotes.

Submission:

Labcorp Genetics (formerly Invitae), Labcorp
Classification: Uncertain significance. Last evaluated: 2025-12-15. Review status: criteria provided, single submitter. Criteria: Invitae Variant Classification Sherloc (09022015). Collection method: clinical testing. Allele origin: germline.
Comment: This sequence change replaces glycine, which is neutral and non-polar, with valine, which is neutral and non-polar, at codon 189 of the PIAS1 protein (p.Gly189Val). The frequency data for this variant in the population databases is considered unreliable, as metrics indicate poor data quality at this position in the gnomAD database. This variant has not been reported in the literature in individuals affected with PIAS1-related conditions. Invitae Evidence Modeling of protein sequence and biophysical properties (such as structural, functional, and spatial information, amino acid conservation, physicochemical variation, residue mobility, and thermodynamic stability) indicates that this missense variant is not expected to disrupt PIAS1 protein function with a negative predictive value of 80%. In summary, the available evidence is currently insufficient to determine the role of this variant in disease. Therefore, it has been classified as a Variant of Uncertain Significance.

NM_016166.3(PIAS1):c.566G>T (p.Gly189Val)

Gene: PIAS1 (protein inhibitor of activated STAT 1; plus strand). Cytogenetic location: 15q23.
Variant type: single nucleotide variant.
Coding change: c.566G>T on transcript NM_016166.3 (MANE Select); coding-DNA position 566, G replaced by T.
Protein change: p.Gly189Val; replaces glycine 189 with valine.
Molecular consequence: missense variant.
Genome position (GRCh38, 1-based): chr15:68,142,301, G>T. VCF-style: chr15-68142301-G-T. GRCh37 (hg19) VCF-style: chr15-68434639-G-T.
Other names: c.572G>T, p.Gly191Val (NM_001320687.1); short protein forms G189V, G191V.
Identifiers: ClinVar variation 4697623 (VCV004697623.1).